The following is an entry in ClinVar:

NM_130384.3(ATRIP):c.1765G>C (p.Val589Leu)

Genes: ATRIP (ATR interacting protein; plus strand), ATRIP-TREX1 (ATRIP-TREX1 readthrough; plus strand). Cytogenetic location: 3p21.31.
Variant type: single nucleotide variant.
Coding change: c.1765G>C on transcript NM_130384.3 (MANE Select); coding-DNA position 1765, G replaced by C.
Protein change: p.Val589Leu; replaces valine 589 with leucine.
Molecular consequence: missense variant. On other transcripts: non-coding transcript variant (1).
Genome position (GRCh38, 1-based): chr3:48,463,764, G>C. VCF-style: chr3-48463764-G-C. GRCh37 (hg19) VCF-style: chr3-48505163-G-C.
Other names: c.1384G>C, p.Val462Leu (NM_001271022.2); c.1486G>C, p.Val496Leu (NM_001271023.2); c.1765G>C, p.Val589Leu (NM_032166.4); short protein forms V589L, V462L, V496L.
Identifiers: ClinVar variation 4644601 (VCV004644601.1).

ClinVar aggregate classification (germline): Uncertain significance (1 of 4 stars; one submission).

gnomAD v4.1: 1 of 1,614,016 alleles (0.000062%); highest among the groups gnomAD compares: Non-Finnish European, 0.000085%; no homozygotes.

Submission:

Ambry Genetics
Classification: Uncertain significance. Last evaluated: 2025-12-05. Review status: criteria provided, single submitter. Criteria: Ambry Variant Classification Scheme 2023. Collection method: clinical testing. Allele origin: germline.
Comment: The p.V589L variant (also known as c.1765G>C), located in coding exon 9 of the ATRIP gene, results from a G to C substitution at nucleotide position 1765. The valine at codon 589 is replaced by leucine, an amino acid with highly similar properties. This amino acid position is conserved. In addition, this alteration is predicted to be tolerated by in silico analysis. Based on the available evidence, the clinical significance of this variant remains unclear.